The following is an entry in ClinVar:

NM_000548.5(TSC2):c.2170T>G (p.Phe724Val)

Gene: TSC2 (TSC complex subunit 2; plus strand). Cytogenetic location: 16p13.3.
Variant type: single nucleotide variant.
Coding change: c.2170T>G on transcript NM_000548.5 (MANE Select); coding-DNA position 2170, T replaced by G.
Protein change: p.Phe724Val; replaces phenylalanine 724 with valine.
Molecular consequence: missense variant.
Genome position (GRCh38, 1-based): chr16:2,072,313, T>G. VCF-style: chr16-2072313-T-G. GRCh37 (hg19) VCF-style: chr16-2122314-T-G.
Other names: c.2170T>G, p.Phe724Val (NM_001077183.3, NM_001114382.3, NM_001363528.2 and 3 more transcripts); c.2059T>G, p.Phe687Val (NM_001318827.2); c.2023T>G, p.Phe675Val (NM_001318829.2); c.1570T>G, p.Phe524Val (NM_001318831.2); c.2203T>G, p.Phe735Val (NM_001318832.2); short protein forms F724V, F524V, F687V, F735V, F675V.
Identifiers: ClinVar variation 1490933 (VCV001490933.6), dbSNP rs2088577923, ClinGen allele CA394274900.

ClinVar aggregate classification (germline): Uncertain significance (1 of 4 stars; one submission).

Conditions:
Tuberous sclerosis 2 (TSC2). Identifiers: Orphanet 805, MedGen C1860707, MONDO:0013199, OMIM 613254.

Submission:

Labcorp Genetics (formerly Invitae), Labcorp
Classification: Uncertain significance for Tuberous sclerosis 2. Last evaluated: 2021-09-16. Review status: criteria provided, single submitter. Criteria: Invitae Variant Classification Sherloc (09022015). Collection method: clinical testing. Allele origin: germline.
Comment: This variant has not been reported in the literature in individuals affected with TSC2-related conditions. In summary, the available evidence is currently insufficient to determine the role of this variant in disease. Therefore, it has been classified as a Variant of Uncertain Significance. Advanced modeling of protein sequence and biophysical properties (such as structural, functional, and spatial information, amino acid conservation, physicochemical variation, residue mobility, and thermodynamic stability) performed at Invitae indicates that this missense variant is not expected to disrupt TSC2 protein function. This variant is not present in population databases (ExAC no frequency). This sequence change replaces phenylalanine with valine at codon 724 of the TSC2 protein (p.Phe724Val). The phenylalanine residue is weakly conserved and there is a small physicochemical difference between phenylalanine and valine.